The following is an entry in ClinVar:

ClinVar aggregate classification (germline): Likely pathogenic (1 of 4 stars; one submission).

Conditions:
Autosomal recessive limb-girdle muscular dystrophy type R18 (LGMDR18). Also called: MUSCULAR DYSTROPHY, LIMB-GIRDLE, AUTOSOMAL RECESSIVE 18; Autosomal recessive limb-girdle muscular dystrophy type 2S; Limb-girdle muscular dystrophy, type 2S. Identifiers: Orphanet 369840, MedGen C4517996, MONDO:0014144, OMIM 615356.

Submission:

Egypt Genome Project
Classification: Likely pathogenic for Autosomal recessive limb-girdle muscular dystrophy type R18. Last evaluated: 2026-02-01. Review status: criteria provided, single submitter. Criteria: ACMG Guidelines, 2015. Collection method: research. Allele origin: germline. Affected: yes.
Comment: The NM_021942.5 c.829A>C is classified as likely pathogenic based on the ACMG/AMP criteria(PM1, PM2, PM3-supporting, PP3)

NM_021942.6(TRAPPC11):c.829A>C (p.Lys277Gln)

Gene: TRAPPC11 (trafficking protein particle complex subunit 11; plus strand). Cytogenetic location: 4q35.1.
Variant type: single nucleotide variant.
Coding change: c.829A>C on transcript NM_021942.6 (MANE Select); coding-DNA position 829, A replaced by C.
Protein change: p.Lys277Gln; replaces lysine 277 with glutamine.
Molecular consequence: missense variant.
Genome position (GRCh38, 1-based): chr4:183,677,552, A>C. VCF-style: chr4-183677552-A-C. GRCh37 (hg19) VCF-style: chr4-184598705-A-C.
Other names: c.829A>C, p.Lys277Gln (NM_199053.3); short protein forms K277Q.
Identifiers: ClinVar variation 4849869 (VCV004849869.1).